The following is an entry in ClinVar:

ClinVar aggregate classification (germline): Uncertain significance (1 of 4 stars; one submission).

Submission:

GeneDx
Classification: Uncertain significance. Last evaluated: 2025-06-24. Review status: criteria provided, single submitter. Criteria: GeneDx Variant Classification Process June 2021. Collection method: clinical testing. Allele origin: germline. Affected: yes.
Comment: Not observed at significant frequency in large population cohorts (gnomAD); In silico analysis supports that this missense variant has a deleterious effect on protein structure/function; Has not been previously published as pathogenic or benign to our knowledge

NM_021956.5(GRIK2):c.1248T>A (p.Ser416Arg)

Gene: GRIK2 (glutamate ionotropic receptor kainate type subunit 2; plus strand). Cytogenetic location: 6q16.3.
Variant type: single nucleotide variant.
Coding change: c.1248T>A on transcript NM_021956.5 (MANE Select); coding-DNA position 1248, T replaced by A.
Protein change: p.Ser416Arg; replaces serine 416 with arginine.
Molecular consequence: missense variant.
Genome position (GRCh38, 1-based): chr6:101,818,414, T>A. VCF-style: chr6-101818414-T-A. GRCh37 (hg19) VCF-style: chr6-102266289-T-A.
Other names: c.1248T>A, p.Ser416Arg (NM_001166247.1, NM_175768.3); short protein forms S416R.
Identifiers: ClinVar variation 4540181 (VCV004540181.1).